The following is an entry in ClinVar:

NM_032119.4(ADGRV1):c.8842G>A (p.Ala2948Thr)

Gene: ADGRV1 (adhesion G protein-coupled receptor V1; plus strand). Cytogenetic location: 5q14.3.
Variant type: single nucleotide variant.
Coding change: c.8842G>A on transcript NM_032119.4 (MANE Select); coding-DNA position 8842, G replaced by A.
Protein change: p.Ala2948Thr; replaces alanine 2948 with threonine.
Molecular consequence: missense variant. On other transcripts: non-coding transcript variant (1).
Genome position (GRCh38, 1-based): chr5:90,710,998, G>A. VCF-style: chr5-90710998-G-A. GRCh37 (hg19) VCF-style: chr5-90006815-G-A.
Other names: p.Ala2948Thr; short protein forms A2948T.
Identifiers: ClinVar variation 283790 (VCV000283790.22), dbSNP rs369777874, ClinGen allele CA3340384.

ClinVar aggregate classification (germline): Conflicting classifications of pathogenicity. Review status: criteria provided, conflicting classifications (1 of 4 stars). 8 submissions from 8 submitters: Uncertain significance (5); Benign (1); Likely benign (2). Last evaluated 2026-06-20.

Conditions:
ADGRV1-related disorder. Also called: ADGRV1-related condition; ADGRV1-related disorders.
Inborn genetic diseases. Identifiers: MedGen C0950123, MeSH D030342.
Febrile seizures, familial, 4 (FEB4). Also called: CONVULSIONS, FAMILIAL FEBRILE, 4. Identifiers: MedGen C1858493, MONDO:0011443, OMIM 604352.

Allele frequency attached by ClinVar (database versions not stated): gnomAD exomes 0.00011; ExAC 0.00015; ESP Exome Variant Server 0.00025; gnomAD 0.00040 and 0.00045; TOPMed 0.00042.
gnomAD v4.1: 119 of 1,607,626 alleles (0.0074%); highest among the groups gnomAD compares: African/African-American, 0.13%; no homozygotes.

Submissions (8):

PreventionGenetics, part of Exact Sciences
Classification: Uncertain significance for ADGRV1-related condition. Last evaluated: 2026-06-20. Review status: criteria provided, single submitter. Criteria: ACMG Guidelines, 2015. Collection method: clinical testing. Allele origin: germline.
Comment: The ADGRV1 c.8842G>A variant is predicted to result in the amino acid substitution p.Ala2948Thr. To our knowledge, this variant has not been reported in the literature. This variant is present in 0.12% of alleles in individuals of African descent in gnomAD, which may be too common to be an unreported cause of disease. Although we suspect that this variant may be benign, at this time, the clinical significance of this variant is uncertain due to the absence of conclusive functional and genetic evidence.

Ambry Genetics
Classification: Uncertain significance for Inborn genetic diseases. Last evaluated: 2026-01-26. Review status: criteria provided, single submitter. Criteria: Ambry Variant Classification Scheme 2023. Collection method: clinical testing. Allele origin: germline.

Labcorp Genetics (formerly Invitae), Labcorp
Classification: Benign. Last evaluated: 2026-01-25. Review status: criteria provided, single submitter. Criteria: Invitae Variant Classification Sherloc (09022015). Collection method: clinical testing. Allele origin: germline.

Blueprint Genetics
Classification: Likely benign. Last evaluated: 2024-10-08. Review status: criteria provided, single submitter. Criteria: ACMG Guidelines, 2015. Collection method: clinical testing. Allele origin: germline.

Mayo Clinic Laboratories, Mayo Clinic
Classification: Uncertain significance. Last evaluated: 2022-04-29. Review status: criteria provided, single submitter. Criteria: ACMG Guidelines, 2015. Collection method: clinical testing. Allele origin: germline. Observed: 1 variant allele.
Comment: BS2_supporting

New York Genome Center
Classification: Uncertain significance for Febrile seizures, familial, 4. Last evaluated: 2022-02-25. Review status: criteria provided, single submitter. Criteria: NYGC Assertion Criteria 2020. Collection method: clinical testing. Allele origin: germline. Observed: 1 heterozygote. Study: CSER-NYCKidSeq.

GeneDx
Classification: Likely benign. Last evaluated: 2020-02-06. Review status: criteria provided, single submitter. Criteria: GeneDx Variant Classification Process June 2021. Collection method: clinical testing. Allele origin: germline. Affected: yes.

Eurofins Ntd Llc (ga)
Classification: Uncertain significance. Last evaluated: 2015-10-16. Review status: criteria provided, single submitter. Criteria: EGL Classification Definitions 2015. Collection method: clinical testing. Allele origin: germline. Observed: 2 variant alleles, 2 heterozygotes.